The following is an entry in ClinVar:

NM_003482.4(KMT2D):c.14859C>T (p.Ala4953=)

Gene: KMT2D (lysine methyltransferase 2D; minus strand). Cytogenetic location: 12q13.12.
Variant type: single nucleotide variant.
Coding change: c.14859C>T on transcript NM_003482.4 (MANE Select); coding-DNA position 14859, C replaced by T.
Protein change: p.Ala4953=; no amino-acid change (alanine 4953 retained).
Molecular consequence: synonymous variant.
Genome position (GRCh38, 1-based): chr12:49,027,107, G>A on the plus strand (C>T on the coding strand, the complement: KMT2D is on the minus strand). VCF-style: chr12-49027107-G-A. GRCh37 (hg19) VCF-style: chr12-49420890-G-A.
Identifiers: ClinVar variation 4994533 (VCV004994533.1).

ClinVar aggregate classification (germline): Likely benign (1 of 4 stars; one submission).

Conditions:
KMT2D-related disorder. Also called: KMT2D-Related Disorders.

gnomAD v4.1: 1 of 1,601,658 alleles (0.000062%); highest among the groups gnomAD compares: Non-Finnish European, 0.000085%; no homozygotes.

Submission:

PreventionGenetics, part of Exact Sciences
Classification: Likely benign for KMT2D-related condition. Last evaluated: 2026-06-24. Review status: criteria provided, single submitter. Criteria: ACMG Guidelines, 2015. Collection method: clinical testing. Allele origin: germline.
Comment: This variant is classified as likely benign based on ACMG/AMP sequence variant interpretation guidelines (Richards et al. 2015 PMID: 25741868, with internal and published modifications).